The following is an entry in ClinVar:

ClinVar aggregate classification (germline): Pathogenic (1 of 4 stars; one submission).

Conditions:
PHGDH deficiency. Identifiers: Orphanet 79351, MedGen C1866174, MONDO:0011152, OMIM 601815.

Submission:

Labcorp Genetics (formerly Invitae), Labcorp
Classification: Pathogenic for PHGDH deficiency. Last evaluated: 2023-08-31. Review status: criteria provided, single submitter. Criteria: Invitae Variant Classification Sherloc (09022015). Collection method: clinical testing. Allele origin: germline.
Comment: For these reasons, this variant has been classified as Pathogenic. ClinVar contains an entry for this variant (Variation ID: 848472). This variant has not been reported in the literature in individuals affected with PHGDH-related conditions. This variant is present in population databases (no rsID available, gnomAD 0.0009%). This sequence change creates a premature translational stop signal (p.Ala320Cysfs*71) in the PHGDH gene. It is expected to result in an absent or disrupted protein product. Loss-of-function variants in PHGDH are known to be pathogenic (PMID: 14645240, 24836451).

Literature cited by the submitters: PubMed 14645240; PubMed 24836451.

NM_006623.4(PHGDH):c.958_968del (p.Ala320fs)

Gene: PHGDH (phosphoglycerate dehydrogenase; plus strand). Cytogenetic location: 1p12.
Variant type: Deletion.
Coding change: c.958_968del on transcript NM_006623.4 (MANE Select); coding-DNA positions 958 to 968, 11 bases deleted (GCCCTTACCAG).
Protein change: p.Ala320fs; shifts the reading frame from alanine 320.
Molecular consequence: frameshift variant.
Genome position (GRCh38, 1-based): chr1:119,740,398-119,740,408, GCCCTTACCAG deleted; deleting any 11 consecutive bases within chr1:119,740,394-119,740,408 gives the same sequence; the c. name uses the placement nearest the transcript's 3' end. VCF-style (leftmost placement, unchanged base first): chr1-119740393-CCCAGGCCCTTA-C. GRCh37 (hg19) VCF-style: chr1-120283016-CCCAGGCCCTTA-C.
Other names: short protein forms A320fs.
Identifiers: ClinVar variation 848472 (VCV000848472.7), dbSNP rs1398758559, ClinGen allele CA525742383.